The following is an entry in ClinVar:

NM_012472.6(DNAAF11):c.47A>T (p.Asn16Ile)

Gene: DNAAF11 (dynein axonemal assembly factor 11; minus strand). Cytogenetic location: 8q24.22.
Variant type: single nucleotide variant.
Coding change: c.47A>T on transcript NM_012472.6 (MANE Select); coding-DNA position 47, A replaced by T.
Protein change: p.Asn16Ile; replaces asparagine 16 with isoleucine.
Molecular consequence: missense variant. On other transcripts: 5 prime UTR variant (4), non-coding transcript variant (7), intron variant (1).
Genome position (GRCh38, 1-based): chr8:132,661,591, T>A on the plus strand (A>T on the coding strand, the complement: DNAAF11 is on the minus strand). VCF-style: chr8-132661591-T-A. GRCh37 (hg19) VCF-style: chr8-133673837-T-A.
Other names: c.47A>T, p.Asn16Ile (NM_001321961.2); c.-314A>T (NM_001321963.2, NM_001321964.2, NM_001321966.2); c.-627A>T (NM_001321965.2); c.10+13893A>T (NM_001321962.2); c.47A>T (NM_012472.3); short protein forms N16I.
Identifiers: ClinVar variation 2171334 (VCV002171334.3), dbSNP rs778465163, ClinGen allele CA4881484.

ClinVar aggregate classification (germline): Uncertain significance. Review status: criteria provided, multiple submitters, no conflicts (2 of 4 stars). 2 submissions from 2 submitters: Uncertain significance (2). Last evaluated 2026-02-15.

Conditions:
Primary ciliary dyskinesia. Also called: Ciliary dyskinesia. Identifiers: Orphanet 244, MedGen C0008780, MONDO:0016575, HP:0012265.
Primary ciliary dyskinesia 19. Also called: CILIARY DYSKINESIA, PRIMARY, 19, WITH OR WITHOUT SITUS INVERSUS. Identifiers: Orphanet 244, MedGen C3543826, MONDO:0013979, OMIM 614935.

Allele frequency attached by ClinVar (database versions not stated): ExAC 0.00001; gnomAD 0.00002; TOPMed 0.00003.
gnomAD v4.1: 38 of 1,614,036 alleles (0.0024%); highest among the groups gnomAD compares: Non-Finnish European, 0.0031%; no homozygotes.

Submissions (2):

Ambry Genetics
Classification: Uncertain significance for Primary ciliary dyskinesia. Last evaluated: 2026-02-15. Review status: criteria provided, single submitter. Criteria: Ambry Variant Classification Scheme 2023. Collection method: clinical testing. Allele origin: germline.
Comment: The p.N16I variant (also known as c.47A>T), located in coding exon 2 of the LRRC6 gene, results from an A to T substitution at nucleotide position 47. The asparagine at codon 16 is replaced by isoleucine, an amino acid with dissimilar properties. This amino acid position is conserved. In addition, this alteration is predicted to be deleterious by in silico analysis. Based on the available evidence, the clinical significance of this variant remains unclear.

Labcorp Genetics (formerly Invitae), Labcorp
Classification: Uncertain significance for Primary ciliary dyskinesia 19. Last evaluated: 2022-12-27. Review status: criteria provided, single submitter. Criteria: Invitae Variant Classification Sherloc (09022015). Collection method: clinical testing. Allele origin: germline.
Comment: In summary, the available evidence is currently insufficient to determine the role of this variant in disease. Therefore, it has been classified as a Variant of Uncertain Significance. Advanced modeling of protein sequence and biophysical properties (such as structural, functional, and spatial information, amino acid conservation, physicochemical variation, residue mobility, and thermodynamic stability) performed at Invitae indicates that this missense variant is expected to disrupt LRRC6 protein function. This variant has not been reported in the literature in individuals affected with LRRC6-related conditions. This variant is present in population databases (rs778465163, gnomAD 0.003%). This sequence change replaces asparagine, which is neutral and polar, with isoleucine, which is neutral and non-polar, at codon 16 of the LRRC6 protein (p.Asn16Ile).